The following is an entry in ClinVar:

ClinVar aggregate classification (germline): Uncertain significance (1 of 4 stars; one submission).

Submission:

GeneDx
Classification: Uncertain significance. Last evaluated: 2026-03-24. Review status: criteria provided, single submitter. Criteria: GeneDx Variant Classification Process June 2021. Collection method: clinical testing. Allele origin: germline.
Comment: Not observed at significant frequency in large population cohorts (gnomAD); In silico analysis suggests that this variant does not alter splicing; Has not been previously published as pathogenic or benign to our knowledge

NM_001353921.2(ARHGEF9):c.186A>G (p.Gly62=)

Gene: ARHGEF9 (Cdc42 guanine nucleotide exchange factor 9; minus strand). Cytogenetic location: Xq11.1.
Variant type: single nucleotide variant.
Coding change: c.186A>G on transcript NM_001353921.2 (MANE Select); coding-DNA position 186, A replaced by G.
Protein change: p.Gly62=; no amino-acid change (glycine 62 retained).
Molecular consequence: synonymous variant. On other transcripts: 5 prime UTR variant (2), intron variant (6).
Genome position (GRCh38, 1-based): chrX:63,724,556, T>C on the plus strand (A>G on the coding strand, the complement: ARHGEF9 is on the minus strand). VCF-style: chrX-63724556-T-C. GRCh37 (hg19) VCF-style: chrX-62944436-T-C.
Other names: c.102A>G, p.Gly34= (NM_001330495.2, NM_001353927.2, NM_001369033.1 and 8 more transcripts); c.186A>G, p.Gly62= (NM_001353922.2); c.204A>G, p.Gly68= (NM_001353923.1); c.165A>G, p.Gly55= (NM_001353928.2, NM_001369030.1, NM_001369031.1 and 2 more transcripts); c.-278A>G (NM_001369042.1); c.-518A>G (NM_001369045.1); c.31-18107A>G (NM_001173479.2); c.10-18107A>G (NM_001369040.1, NM_001369039.1, NM_001353926.2 and 1 more transcripts); and 1 more.
Identifiers: ClinVar variation 5017348 (VCV005017348.1).
Genomic context (GRCh38, chrX:63,724,556, plus strand): 5'-AGGAAATAGGAGAGGAGAGTGAAGACTGACACTCACCCTCACAAAGCTGGCAGGAAACCA[T>C]CCCTCCTCATCGTCGATCTGGCCCCACCACCAATCCTTGTTGGAAGCATCCAAGACTTTG-3'
Protein context (NP_001340850.1, residues 52-72): WWWGQIDDEE[Gly62=]WFPASFVRLW